The following is an entry in ClinVar:

NM_000256.3(MYBPC3):c.1960dup (p.Arg654fs)

Gene: MYBPC3 (myosin binding protein C3; minus strand). Cytogenetic location: 11p11.2.
Variant type: Duplication.
Coding change: c.1960dup on transcript NM_000256.3 (MANE Select); coding-DNA position 1960, one base duplicated (C; older notation c.1960dupC).
Protein change: p.Arg654fs; shifts the reading frame from arginine 654.
Molecular consequence: frameshift variant.
Genome position (GRCh38, 1-based): chr11:47,339,758, G duplicated on the plus strand (C on the coding strand, the reverse complement: MYBPC3 is on the minus strand); the first of 2 consecutive G bases (chr11:47,339,758-47,339,759); duplicating either gives the same sequence. VCF-style (leftmost placement, unchanged base first): chr11-47339757-C-CG. GRCh37 (hg19) VCF-style: chr11-47361308-C-CG.
Other names: short protein forms R654fs.
Identifiers: ClinVar variation 2770644 (VCV002770644.3), dbSNP rs2495756454, ClinGen allele CA2697548572.

ClinVar aggregate classification (germline): Pathogenic (1 of 4 stars; one submission).

Conditions:
Hypertrophic cardiomyopathy. Also called: HYPERTROPHIC MYOCARDIOPATHY. Identifiers: Orphanet 217569, MedGen C0007194, MeSH D002312, MONDO:0005045, HP:0001639.

Submission:

Labcorp Genetics (formerly Invitae), Labcorp
Classification: Pathogenic for Hypertrophic cardiomyopathy. Last evaluated: 2023-10-22. Review status: criteria provided, single submitter. Criteria: Invitae Variant Classification Sherloc (09022015). Collection method: clinical testing. Allele origin: germline.
Comment: This sequence change creates a premature translational stop signal (p.Arg654Profs*13) in the MYBPC3 gene. It is expected to result in an absent or disrupted protein product. Loss-of-function variants in MYBPC3 are known to be pathogenic (PMID: 19574547). This variant is not present in population databases (gnomAD no frequency). This variant has not been reported in the literature in individuals affected with MYBPC3-related conditions. For these reasons, this variant has been classified as Pathogenic.

Literature cited by the submitters: PubMed 19574547.